The following is an entry in ClinVar:

ClinVar aggregate classification (germline): Pathogenic (1 of 4 stars; one submission).

Conditions:
Charcot-Marie-Tooth Neuropathy X. Identifiers: MedGen CN118851.

Submission:

Labcorp Genetics (formerly Invitae), Labcorp
Classification: Pathogenic for Charcot-Marie-Tooth Neuropathy X. Last evaluated: 2023-03-13. Review status: criteria provided, single submitter. Criteria: Invitae Variant Classification Sherloc (09022015). Collection method: clinical testing. Allele origin: germline.
Comment: For these reasons, this variant has been classified as Pathogenic. This variant disrupts a region of the GJB1 protein in which other variant(s) (p.Asn205Ser) have been determined to be pathogenic (PMID: 9401007, 9452099, 10071100, 12497641, 19259128, 24327141, 27544631, 28469099). This suggests that this is a clinically significant region of the protein, and that variants that disrupt it are likely to be disease-causing. This premature translational stop signal has been observed in individual(s) with Charcot-Marie-Tooth disease (PMID: 10894999). This variant is not present in population databases (gnomAD no frequency). This sequence change creates a premature translational stop signal (p.Trp44*) in the GJB1 gene. While this is not anticipated to result in nonsense mediated decay, it is expected to disrupt the last 240 amino acid(s) of the GJB1 protein.

Literature cited by the submitters: PubMed 9401007; PubMed 9452099; PubMed 10071100; PubMed 12497641; PubMed 19259128; PubMed 24327141; PubMed 27544631; PubMed 28469099; PubMed 10894999.

NM_000166.6(GJB1):c.131G>A (p.Trp44Ter)

Gene: GJB1 (gap junction protein beta 1; plus strand). Cytogenetic location: Xq13.1.
Variant type: single nucleotide variant.
Coding change: c.131G>A on transcript NM_000166.6 (MANE Select); coding-DNA position 131, G replaced by A.
Protein change: p.Trp44Ter; replaces tryptophan 44 with a stop codon.
Molecular consequence: nonsense.
Genome position (GRCh38, 1-based): chrX:71,223,838, G>A. VCF-style: chrX-71223838-G-A. GRCh37 (hg19) VCF-style: chrX-70443688-G-A.
Other names: c.131G>A, p.Trp44Ter (NM_001097642.3); short protein forms W44*.
Identifiers: ClinVar variation 2845409 (VCV002845409.3), dbSNP rs1555937063, ClinGen allele CA10581119.